The following is an entry in ClinVar:

ClinVar aggregate classification (germline): Uncertain significance. Review status: criteria provided, multiple submitters, no conflicts (2 of 4 stars). 2 submissions from 2 submitters: Uncertain significance (2). Last evaluated 2024-12-31.

Conditions:
Inborn genetic diseases. Identifiers: MedGen C0950123, MeSH D030342.

Allele frequency attached by ClinVar (database versions not stated): gnomAD exomes 0.00003; gnomAD 0.00004; TOPMed 0.00004; ExAC 0.00008; 1000 Genomes Project 0.00020; 1000 Genomes Project 30x 0.00078.
gnomAD v4.1: 46 of 1,613,152 alleles (0.0029%); highest among the groups gnomAD compares: East Asian, 0.098%; no homozygotes.

Submissions (2):

Labcorp Genetics (formerly Invitae), Labcorp
Classification: Uncertain significance. Last evaluated: 2024-12-31. Review status: criteria provided, single submitter. Criteria: Invitae Variant Classification Sherloc (09022015). Collection method: clinical testing. Allele origin: germline.
Comment: This sequence change replaces aspartic acid, which is acidic and polar, with glycine, which is neutral and non-polar, at codon 228 of the ERCC6L2 protein (p.Asp228Gly). This variant is present in population databases (rs182659090, gnomAD 0.2%). This variant has not been reported in the literature in individuals affected with ERCC6L2-related conditions. ClinVar contains an entry for this variant (Variation ID: 2048242). Experimental studies and prediction algorithms are not available or were not evaluated, and the functional significance of this variant is currently unknown. In summary, the available evidence is currently insufficient to determine the role of this variant in disease. Therefore, it has been classified as a Variant of Uncertain Significance.

Ambry Genetics
Classification: Uncertain significance for Inborn genetic diseases. Last evaluated: 2024-11-18. Review status: criteria provided, single submitter. Criteria: Ambry Variant Classification Scheme 2023. Collection method: clinical testing. Allele origin: germline.
Comment: The p.D217G variant (also known as c.650A>G), located in coding exon 4 of the ERCC6L2 gene, results from an A to G substitution at nucleotide position 650. The aspartic acid at codon 217 is replaced by glycine, an amino acid with similar properties. This amino acid position is conserved. In addition, the in silico prediction for this alteration is inconclusive. Based on the available evidence, the clinical significance of this variant remains unclear.

NM_020207.7(ERCC6L2):c.650A>G (p.Asp217Gly)

Gene: ERCC6L2 (ERCC excision repair 6 like 2; plus strand). Cytogenetic location: 9q22.32.
Variant type: single nucleotide variant.
Coding change: c.650A>G on transcript NM_020207.7 (MANE Select); coding-DNA position 650, A replaced by G.
Protein change: p.Asp217Gly; replaces aspartic acid 217 with glycine.
Molecular consequence: missense variant. On other transcripts: non-coding transcript variant (1).
Genome position (GRCh38, 1-based): chr9:95,907,133, A>G. VCF-style: chr9-95907133-A-G. GRCh37 (hg19) VCF-style: chr9-98669415-A-G.
Other names: c.650A>G, p.Asp217Gly (NM_001010895.4, NM_001375291.1, NM_001375292.1 and 2 more transcripts); short protein forms D217G.
Identifiers: ClinVar variation 2048242 (VCV002048242.4), dbSNP rs182659090, ClinGen allele CA5139355.